The following is an entry in ClinVar:

NM_000036.3(AMPD1):c.1637A>G (p.Tyr546Cys)

Gene: AMPD1 (adenosine monophosphate deaminase 1; minus strand). Cytogenetic location: 1p13.2.
Variant type: single nucleotide variant.
Coding change: c.1637A>G on transcript NM_000036.3 (MANE Select); coding-DNA position 1637, A replaced by G.
Protein change: p.Tyr546Cys; replaces tyrosine 546 with cysteine.
Molecular consequence: missense variant.
Genome position (GRCh38, 1-based): chr1:114,675,572, T>C on the plus strand (A>G on the coding strand, the complement: AMPD1 is on the minus strand). VCF-style: chr1-114675572-T-C. GRCh37 (hg19) VCF-style: chr1-115218193-T-C.
Other names: c.1625A>G, p.Tyr542Cys (NM_001172626.2); short protein forms Y542C, Y546C.
Identifiers: ClinVar variation 1936943 (VCV001936943.5), dbSNP rs747903201, ClinGen allele CA1020062.
Genomic context (GRCh38, chr1:114,675,572, plus strand): 5'-CAGCTGTCTCCTACTTACTTTCTCAGGCTGTTGAGCACCATGATGTTTGCATACATGTAG[T>C]AGGCATAGTAAGTGTAAGATGGATTCTTTTCCAATGTCCACTCCTGGGGCTTGGGACTCT-3'
Protein context (NP_000027.3, residues 536-556): EKNPSYTYYA[Tyr546Cys]YMYANIMVLN

ClinVar aggregate classification (germline): Uncertain significance (1 of 4 stars; one submission).

Conditions:
Muscle AMP deaminase deficiency (MMDD). Also called: ADENOSINE MONOPHOSPHATE DEAMINASE-1 DEFICIENCY, MYOPATHY DUE TO; Myoadenylate deaminase deficiency, myopathy due to; Adenosine monophosphate deaminase 1 deficiency; AMP deaminase 1 deficiency; Adenosine Monophosphate Deaminase 1; AMPD1 DEFICIENCY. Identifiers: Orphanet 45, MedGen C3714933, MONDO:0014220, OMIM 615511.

Allele frequency attached by ClinVar (database versions not stated): ExAC 0.00001; TOPMed 0.00001.
gnomAD v4.1: 19 of 1,614,224 alleles (0.0012%); highest among the groups gnomAD compares: Middle Eastern, 0.016%; no homozygotes.

Submission:

Labcorp Genetics (formerly Invitae), Labcorp
Classification: Uncertain significance for Muscle AMP deaminase deficiency. Last evaluated: 2022-09-13. Review status: criteria provided, single submitter. Criteria: Invitae Variant Classification Sherloc (09022015). Collection method: clinical testing. Allele origin: germline.
Comment: This variant has not been reported in the literature in individuals affected with AMPD1-related conditions. Algorithms developed to predict the effect of missense changes on protein structure and function (SIFT, PolyPhen-2, Align-GVGD) all suggest that this variant is likely to be disruptive. In summary, the available evidence is currently insufficient to determine the role of this variant in disease. Therefore, it has been classified as a Variant of Uncertain Significance. This variant is present in population databases (rs747903201, gnomAD 0.003%). This sequence change replaces tyrosine, which is neutral and polar, with cysteine, which is neutral and slightly polar, at codon 579 of the AMPD1 protein (p.Tyr579Cys).